The following is an entry in ClinVar:

NM_001572.5(IRF7):c.553C>T (p.Gln185Ter)

Gene: IRF7 (interferon regulatory factor 7; minus strand). Cytogenetic location: 11p15.5.
Variant type: single nucleotide variant.
Coding change: c.553C>T on transcript NM_001572.5 (MANE Select); coding-DNA position 553, C replaced by T.
Protein change: p.Gln185Ter; replaces glutamine 185 with a stop codon.
Molecular consequence: nonsense.
Genome position (GRCh38, 1-based): chr11:614,300, G>A on the plus strand (C>T on the coding strand, the complement: IRF7 is on the minus strand). VCF-style: chr11-614300-G-A. GRCh37 (hg19) VCF-style: chr11-614300-G-A.
Other names: c.553C>T, p.Gln185Ter (NM_004029.4); c.592C>T, p.Gln198Ter (NM_004031.4); short protein forms Q198*, Q185*.
Identifiers: ClinVar variation 1448392 (VCV001448392.6), dbSNP rs756347258, ClinGen allele CA5783913.

ClinVar aggregate classification (germline): Uncertain significance. Review status: criteria provided, multiple submitters, no conflicts (2 of 4 stars). 2 submissions from 2 submitters: Uncertain significance (2). Last evaluated 2025-03-10.

Conditions:
Immunodeficiency 39 (IMD39). Identifiers: Orphanet 574918, MedGen C4225358, MONDO:0014597, OMIM 616345.

Allele frequency attached by ClinVar (database versions not stated): gnomAD exomes 0.00001 and 0.00002; TOPMed 0.00002; gnomAD 0.00003 and 0.00004.
gnomAD v4.1: 32 of 1,611,806 alleles (0.002%); highest among the groups gnomAD compares: Middle Eastern, 0.016%; no homozygotes.

Submissions (2):

Labcorp Genetics (formerly Invitae), Labcorp
Classification: Uncertain significance for Immunodeficiency 39. Last evaluated: 2025-03-10. Review status: criteria provided, single submitter. Criteria: Invitae Variant Classification Sherloc (09022015). Collection method: clinical testing. Allele origin: germline.
Comment: This sequence change creates a premature translational stop signal (p.Gln198*) in the IRF7 gene. It is expected to result in an absent or disrupted protein product. However, the current clinical and genetic evidence is not sufficient to establish whether loss-of-function variants in IRF7 cause disease. This variant is present in population databases (rs756347258, gnomAD 0.004%). This variant has not been reported in the literature in individuals affected with IRF7-related conditions. ClinVar contains an entry for this variant (Variation ID: 1448392). Experimental studies and prediction algorithms are not available or were not evaluated, and the functional significance of this variant is currently unknown. In summary, the available evidence is currently insufficient to determine the role of this variant in disease. Therefore, it has been classified as a Variant of Uncertain Significance.

Center for Genomic Medicine, Rigshospitalet, Copenhagen University Hospital
Classification: Uncertain significance. Last evaluated: 2025-03-04. Review status: criteria provided, single submitter. Criteria: ACMG Guidelines, 2015. Collection method: clinical testing. Allele origin: germline.

Literature cited by the submitters: PubMed 35670811 (cited by Center for Genomic Medicine, Rigshospitalet, Copenhagen University Hospital); PubMed 32972995 (cited by Center for Genomic Medicine, Rigshospitalet, Copenhagen University Hospital).